The following is an entry in ClinVar:

NM_001173990.3(TMEM216):c.142C>G (p.Leu48Val)

Gene: TMEM216 (transmembrane protein 216; plus strand). Cytogenetic location: 11q12.2.
Variant type: single nucleotide variant.
Coding change: c.142C>G on transcript NM_001173990.3 (MANE Select); coding-DNA position 142, C replaced by G.
Protein change: p.Leu48Val; replaces leucine 48 with valine.
Molecular consequence: missense variant. On other transcripts: 5 prime UTR variant (2).
Genome position (GRCh38, 1-based): chr11:61,393,889, C>G. VCF-style: chr11-61393889-C-G. GRCh37 (hg19) VCF-style: chr11-61161361-C-G.
Other names: c.142C>G, p.Leu48Val (NM_001173991.3); c.-42C>G (NM_001330285.2, NM_016499.6); short protein forms L48V.
Identifiers: ClinVar variation 4697052 (VCV004697052.1).

ClinVar aggregate classification (germline): Uncertain significance (1 of 4 stars; one submission).

Conditions:
Joubert syndrome. Also called: CEREBELLOPARENCHYMAL DISORDER IV; JOUBERT-BOLTSHAUSER SYNDROME; Familial aplasia of the vermis. Identifiers: Orphanet 475, MedGen C5979921, MONDO:0018772.

Submission:

Labcorp Genetics (formerly Invitae), Labcorp
Classification: Uncertain significance for Joubert syndrome. Last evaluated: 2025-08-29. Review status: criteria provided, single submitter. Criteria: Invitae Variant Classification Sherloc (09022015). Collection method: clinical testing. Allele origin: germline.
Comment: This sequence change replaces leucine, which is neutral and non-polar, with valine, which is neutral and non-polar, at codon 48 of the TMEM216 protein (p.Leu48Val). This variant is present in population databases (rs761942783, gnomAD 0.006%). This variant has not been reported in the literature in individuals affected with TMEM216-related conditions. An algorithm developed to predict the effect of missense changes on protein structure and function (PolyPhen-2) suggests that this variant is likely to be disruptive. In summary, the available evidence is currently insufficient to determine the role of this variant in disease. Therefore, it has been classified as a Variant of Uncertain Significance.